The following is an entry in ClinVar:

ClinVar aggregate classification (germline): Uncertain significance. Review status: criteria provided, multiple submitters, no conflicts (2 of 4 stars). 3 submissions from 3 submitters: Uncertain significance (3). Last evaluated 2025-04-15.

Conditions:
Inborn genetic diseases. Identifiers: MedGen C0950123, MeSH D030342.
Bethlem myopathy 1A. Also called: MYOPATHY, BENIGN CONGENITAL, WITH CONTRACTURES; Bethlem Muscular Dystrophy; Bethlem myopathy 1. Identifiers: Orphanet 610, MedGen CN029274, MONDO:0024530, OMIM 158810.

Allele frequency attached by ClinVar (database versions not stated): TOPMed 0.00002; gnomAD 0.00001; ExAC 0.00002; gnomAD exomes 0.00002.
gnomAD v4.1: 28 of 1,613,988 alleles (0.0017%); highest among the groups gnomAD compares: East Asian, 0.0089%; no homozygotes.

Submissions (3):

Women's Health and Genetics/Laboratory Corporation of America, LabCorp
Classification: Uncertain significance. Last evaluated: 2025-04-15. Review status: criteria provided, single submitter. Criteria: LabCorp Variant Classification Summary - May 2015. Collection method: clinical testing. Allele origin: germline.
Comment: Variant summary: COL6A3 c.3892G>A (p.Ala1298Thr) results in a non-conservative amino acid change in the encoded protein sequence. Four of five in-silico tools predict a damaging effect of the variant on protein function. The variant allele was found at a frequency of 2.4e-05 in 251108 control chromosomes (gnomAD). The available data on variant occurrences in the general population are insufficient to allow any conclusion about variant significance. To our knowledge, no occurrence of c.3892G>A in individuals affected with Ullrich congenital muscular dystrophy 1-AR and no experimental evidence demonstrating its impact on protein function have been reported. ClinVar contains an entry for this variant (Variation ID: 2549357). Based on the evidence outlined above, the variant was classified as uncertain significance.

Labcorp Genetics (formerly Invitae), Labcorp
Classification: Uncertain significance for Bethlem myopathy 1A. Last evaluated: 2023-10-27. Review status: criteria provided, single submitter. Criteria: Invitae Variant Classification Sherloc (09022015). Collection method: clinical testing. Allele origin: germline.
Comment: This sequence change replaces alanine, which is neutral and non-polar, with threonine, which is neutral and polar, at codon 1298 of the COL6A3 protein (p.Ala1298Thr). This variant is present in population databases (rs770250670, gnomAD 0.02%). This variant has not been reported in the literature in individuals affected with COL6A3-related conditions. ClinVar contains an entry for this variant (Variation ID: 2549357). Advanced modeling of protein sequence and biophysical properties (such as structural, functional, and spatial information, amino acid conservation, physicochemical variation, residue mobility, and thermodynamic stability) performed at Invitae indicates that this missense variant is expected to disrupt COL6A3 protein function with a positive predictive value of 80%. In summary, the available evidence is currently insufficient to determine the role of this variant in disease. Therefore, it has been classified as a Variant of Uncertain Significance.

Ambry Genetics
Classification: Uncertain significance for Inborn genetic diseases. Last evaluated: 2023-03-24. Review status: criteria provided, single submitter. Criteria: Ambry Variant Classification Scheme 2023. Collection method: clinical testing. Allele origin: germline.

NM_004369.4(COL6A3):c.3892G>A (p.Ala1298Thr)

Gene: COL6A3 (collagen type VI alpha 3 chain; minus strand). Cytogenetic location: 2q37.3.
Variant type: single nucleotide variant.
Coding change: c.3892G>A on transcript NM_004369.4 (MANE Select); coding-DNA position 3892, G replaced by A.
Protein change: p.Ala1298Thr; replaces alanine 1298 with threonine.
Molecular consequence: missense variant.
Genome position (GRCh38, 1-based): chr2:237,372,125, C>T on the plus strand (G>A on the coding strand, the complement: COL6A3 is on the minus strand). VCF-style: chr2-237372125-C-T. GRCh37 (hg19) VCF-style: chr2-238280768-C-T.
Other names: c.2671G>A, p.Ala891Thr (NM_057164.5); c.3274G>A, p.Ala1092Thr (NM_057165.5, NM_057167.4); c.2071G>A, p.Ala691Thr (NM_057166.5); short protein forms A1092T, A691T, A1298T, A891T.
Identifiers: ClinVar variation 2549357 (VCV002549357.7), dbSNP rs770250670, ClinGen allele CA2189053.